The following is an entry in ClinVar:

NM_006531.5(IFT88):c.1087C>T (p.His363Tyr)

Gene: IFT88 (intraflagellar transport 88; plus strand). Cytogenetic location: 13q12.11.
Variant type: single nucleotide variant.
Coding change: c.1087C>T on transcript NM_006531.5 (MANE Select); coding-DNA position 1087, C replaced by T.
Protein change: p.His363Tyr; replaces histidine 363 with tyrosine.
Molecular consequence: missense variant. On other transcripts: non-coding transcript variant (5).
Genome position (GRCh38, 1-based): chr13:20,605,080, C>T. VCF-style: chr13-20605080-C-T. GRCh37 (hg19) VCF-style: chr13-21179219-C-T.
Other names: c.1030C>T, p.His344Tyr (NM_001318491.2, NM_001353573.2, NM_001353575.2); c.1114C>T, p.His372Tyr (NM_001318493.2, NM_001353565.2, NM_001353566.2 and 2 more transcripts); c.1087C>T, p.His363Tyr (NM_001353568.2, NM_001353572.2); c.1012C>T, p.His338Tyr (NM_001353569.2, NM_001353570.2, NM_001353576.2 and 1 more transcripts); c.985C>T, p.His329Tyr (NM_001353571.2, NM_001353578.2); c.928C>T, p.His310Tyr (NM_001353574.2); c.454C>T, p.His152Tyr (NM_001353579.2); short protein forms H338Y, H344Y, H152Y, H329Y, H372Y, H310Y, H363Y.
Identifiers: ClinVar variation 1951048 (VCV001951048.5), dbSNP rs2548199444, ClinGen allele CA387475906.
Genomic context (GRCh38, chr13:20,605,080, plus strand): 5'-ATTTTATTTTACCAGGATGATCCTCATACTAACTTAGTAACTGAAGCTATAAAAAATGAT[C>T]ACCTCAGGCAAATGGAACGTGAAAGGTAATATTTTAAACTTAATAACGTAGTTATTAATT-3'
Protein context (NP_006522.2, residues 353-373): NLVTEAIKND[His363Tyr]LRQMERERKA

ClinVar aggregate classification (germline): Uncertain significance (1 of 4 stars; one submission).

gnomAD v4.1: 5 of 1,496,492 alleles (0.00033%); highest among the groups gnomAD compares: Middle Eastern, 0.035%; no homozygotes.

Submission:

Labcorp Genetics (formerly Invitae), Labcorp
Classification: Uncertain significance. Last evaluated: 2022-07-23. Review status: criteria provided, single submitter. Criteria: Invitae Variant Classification Sherloc (09022015). Collection method: clinical testing. Allele origin: germline.
Comment: In summary, the available evidence is currently insufficient to determine the role of this variant in disease. Therefore, it has been classified as a Variant of Uncertain Significance. Algorithms developed to predict the effect of missense changes on protein structure and function are either unavailable or do not agree on the potential impact of this missense change (SIFT: "Not Available"; PolyPhen-2: "Benign"; Align-GVGD: "Not Available"). This variant has not been reported in the literature in individuals affected with IFT88-related conditions. This variant is not present in population databases (gnomAD no frequency). This sequence change replaces histidine, which is basic and polar, with tyrosine, which is neutral and polar, at codon 372 of the IFT88 protein (p.His372Tyr).